The following is an entry in ClinVar:

NM_003000.3(SDHB):c.286+9T>G

Gene: SDHB (succinate dehydrogenase complex iron sulfur subunit B; minus strand). Cytogenetic location: 1p36.13.
Variant type: single nucleotide variant.
Coding change: c.286+9T>G on transcript NM_003000.3 (MANE Select); 9 bases into the intron after coding-DNA position 286, T replaced by G.
Molecular consequence: intron variant.
Genome position (GRCh38, 1-based): chr1:17,033,051, A>C on the plus strand (T>G on the coding strand, the complement: SDHB is on the minus strand). VCF-style: chr1-17033051-A-C. GRCh37 (hg19) VCF-style: chr1-17359546-A-C.
Identifiers: ClinVar variation 2100546 (VCV002100546.5), dbSNP rs2525031303, ClinGen allele CA2580060639.

ClinVar aggregate classification (germline): Likely benign. Review status: criteria provided, multiple submitters, no conflicts (2 of 4 stars). 2 submissions from 2 submitters: Likely benign (2). Last evaluated 2025-03-12.

Conditions:
Pheochromocytoma. Also called: MAX-Related Hereditary Paraganglioma-Pheochromocytoma Syndrome. Identifiers: Orphanet 29072, MedGen C0031511, MONDO:0008233, OMIM 171300, HP:0002666.
Pheochromocytoma/paraganglioma syndrome 4. Also called: CAROTID BODY TUMORS AND MULTIPLE EXTRAADRENAL PHEOCHROMOCYTOMAS; PARAGANGLIOMA, FAMILIAL MALIGNANT; PARAGANGLIOMAS, HEREDITARY EXTRAADRENAL; PHEOCHROMOCYTOMA, FAMILIAL EXTRAADRENAL; Paragangliomas 4; SDHB-Related Hereditary Paraganglioma-Pheochromocytoma Syndrome (Paragangliomas 4). Identifiers: Orphanet 29072, MedGen C1861848, MONDO:0007273, OMIM 115310.
Gastrointestinal stromal tumor. Also called: Gastrointestinal stroma tumor; Gastrointestinal stromal tumor, somatic. Identifiers: Orphanet 44890, MedGen C0238198, MeSH D046152, MONDO:0011719, OMIM 606764, HP:0100723.

gnomAD v4.1: 1 of 1,609,068 alleles (0.000062%); highest among the groups gnomAD compares: Non-Finnish European, 0.000085%; no homozygotes.

Submissions (2):

Myriad Genetics, Inc.
Classification: Likely benign for Pheochromocytoma/paraganglioma syndrome 4. Last evaluated: 2025-03-12. Review status: criteria provided, single submitter. Criteria: Myriad Autosomal Dominant, Autosomal Recessive and X-Linked Classification Criteria (2023). Collection method: clinical testing. Allele origin: unknown.
Comment: This variant is considered likely benign. This variant is intronic and is not expected to impact mRNA splicing.

Labcorp Genetics (formerly Invitae), Labcorp
Classification: Likely benign for Gastrointestinal stromal tumor; Pheochromocytoma/paraganglioma syndrome 4; Pheochromocytoma. Last evaluated: 2022-02-20. Review status: criteria provided, single submitter. Criteria: Invitae Variant Classification Sherloc (09022015). Collection method: clinical testing. Allele origin: germline.